The following is an entry in ClinVar:

ClinVar aggregate classification (germline): Uncertain significance (1 of 4 stars; one submission).

Conditions:
Inborn genetic diseases. Identifiers: MedGen C0950123, MeSH D030342.

Submission:

Ambry Genetics
Classification: Uncertain significance for Inborn genetic diseases. Last evaluated: 2021-12-20. Review status: criteria provided, single submitter. Criteria: Ambry Variant Classification Scheme 2023. Collection method: clinical testing. Allele origin: germline.
Comment: The p.L112V variant (also known as c.334C>G), located in coding exon 3 of the RAD51 gene, results from a C to G substitution at nucleotide position 334. The leucine at codon 112 is replaced by valine, an amino acid with highly similar properties. This amino acid position is conserved. In addition, this alteration is predicted to be tolerated by in silico analysis. Since supporting evidence is limited at this time, the clinical significance of this alteration remains unclear.

NM_002875.5(RAD51):c.334C>G (p.Leu112Val)

Gene: RAD51 (RAD51 recombinase; plus strand). Cytogenetic location: 15q15.1.
Variant type: single nucleotide variant.
Coding change: c.334C>G on transcript NM_002875.5 (MANE Select); coding-DNA position 334, C replaced by G.
Protein change: p.Leu112Val; replaces leucine 112 with valine.
Molecular consequence: missense variant. On other transcripts: intron variant (2).
Genome position (GRCh38, 1-based): chr15:40,706,285, C>G. VCF-style: chr15-40706285-C-G. GRCh37 (hg19) VCF-style: chr15-40998483-C-G.
Other names: c.334C>G, p.Leu112Val (NM_001164270.2); c.347-2740C>G (NM_133487.4, NM_001164269.2); short protein forms L112V.
Identifiers: ClinVar variation 1730498 (VCV001730498.2), dbSNP rs768873069, ClinGen allele CA391750013.